The following is an entry in ClinVar:

ClinVar aggregate classification (germline): Uncertain significance. Review status: criteria provided, multiple submitters, no conflicts (2 of 4 stars). 2 submissions from 2 submitters: Uncertain significance (2). Last evaluated 2025-04-26.

Conditions:
Cardiovascular phenotype. Identifiers: MedGen CN230736.
Hereditary cancer-predisposing syndrome. Also called: Neoplastic Syndromes, Hereditary; Tumor predisposition; Hereditary Cancer Syndrome; Hereditary neoplastic syndrome. Identifiers: Orphanet 140162, MedGen C0027672, MeSH D009386, MONDO:0015356.
Neurofibromatosis, type 1 (NF1). Also called: VON RECKLINGHAUSEN DISEASE; NEUROFIBROMATOSIS, TYPE I, SOMATIC; Neurofibromatosis, type I; Peripheral type neurofibromatosis. Identifiers: Orphanet 636, MedGen C0027831, MONDO:0018975, OMIM 162200. Disease mechanism: loss of function.

Submissions (2):

Labcorp Genetics (formerly Invitae), Labcorp
Classification: Uncertain significance for Neurofibromatosis, type 1. Last evaluated: 2025-04-26. Review status: criteria provided, single submitter. Criteria: Invitae Variant Classification Sherloc (09022015). Collection method: clinical testing. Allele origin: germline.
Comment: This sequence change replaces methionine, which is neutral and non-polar, with valine, which is neutral and non-polar, at codon 1041 of the NF1 protein (p.Met1041Val). This variant is not present in population databases (gnomAD no frequency). This variant has not been reported in the literature in individuals affected with NF1-related conditions. ClinVar contains an entry for this variant (Variation ID: 1727868). Invitae Evidence Modeling of protein sequence and biophysical properties (such as structural, functional, and spatial information, amino acid conservation, physicochemical variation, residue mobility, and thermodynamic stability) has been performed for this missense variant. However, the output from this modeling did not meet the statistical confidence thresholds required to predict the impact of this variant on NF1 protein function. In summary, the available evidence is currently insufficient to determine the role of this variant in disease. Therefore, it has been classified as a Variant of Uncertain Significance.

Ambry Genetics
Classification: Uncertain significance for Cardiovascular phenotype; Hereditary cancer-predisposing syndrome. Last evaluated: 2020-10-29. Review status: criteria provided, single submitter. Criteria: Ambry Variant Classification Scheme 2023. Collection method: clinical testing. Allele origin: germline.
Comment: The p.M1041V variant (also known as c.3121A>G), located in coding exon 24 of the NF1 gene, results from an A to G substitution at nucleotide position 3121. The methionine at codon 1041 is replaced by valine, an amino acid with highly similar properties. This amino acid position is highly conserved in available vertebrate species. In addition, the in silico prediction for this alteration is inconclusive. Since supporting evidence is limited at this time, the clinical significance of this alteration remains unclear.

NM_001042492.3(NF1):c.3121A>G (p.Met1041Val)

Gene: NF1 (neurofibromin 1; plus strand). Cytogenetic location: 17q11.2.
Variant type: single nucleotide variant.
Coding change: c.3121A>G on transcript NM_001042492.3 (MANE Select); coding-DNA position 3121, A replaced by G.
Protein change: p.Met1041Val; replaces methionine 1041 with valine.
Molecular consequence: missense variant.
Genome position (GRCh38, 1-based): chr17:31,230,849, A>G. VCF-style: chr17-31230849-A-G. GRCh37 (hg19) VCF-style: chr17-29557867-A-G.
Other names: c.3121A>G, p.Met1041Val (NM_000267.4); short protein forms M1041V.
Identifiers: ClinVar variation 1727868 (VCV001727868.7), dbSNP rs2151432357, ClinGen allele CA398987868.